The following is an entry in ClinVar:

ClinVar aggregate classification (germline): Uncertain significance (1 of 4 stars; one submission).

Conditions:
Kabuki syndrome. Also called: NIIKAWA-KUROKI SYNDROME; Kabuki make-up syndrome. Identifiers: Orphanet 2322, MedGen C0796004, MONDO:0016512.

Allele frequency attached by ClinVar (database versions not stated): gnomAD 0.00001; gnomAD exomes 0.00002; TOPMed below 0.00001.
gnomAD v4.1: 24 of 1,613,636 alleles (0.0015%); highest among the groups gnomAD compares: Non-Finnish European, 0.0019%; no homozygotes.

Submission:

Labcorp Genetics (formerly Invitae), Labcorp
Classification: Uncertain significance for Kabuki syndrome. Last evaluated: 2025-10-05. Review status: criteria provided, single submitter. Criteria: Invitae Variant Classification Sherloc (09022015). Collection method: clinical testing. Allele origin: germline.
Comment: This sequence change replaces glutamine, which is neutral and polar, with arginine, which is basic and polar, at codon 4429 of the KMT2D protein (p.Gln4429Arg). This variant is not present in population databases (gnomAD no frequency). This variant has not been reported in the literature in individuals affected with KMT2D-related conditions. ClinVar contains an entry for this variant (Variation ID: 1957464). Invitae Evidence Modeling of protein sequence and biophysical properties (such as structural, functional, and spatial information, amino acid conservation, physicochemical variation, residue mobility, and thermodynamic stability) indicates that this missense variant is not expected to disrupt KMT2D protein function with a negative predictive value of 95%. In summary, the available evidence is currently insufficient to determine the role of this variant in disease. Therefore, it has been classified as a Variant of Uncertain Significance.

NM_003482.4(KMT2D):c.13286A>G (p.Gln4429Arg)

Gene: KMT2D (lysine methyltransferase 2D; minus strand). Cytogenetic location: 12q13.12.
Variant type: single nucleotide variant.
Coding change: c.13286A>G on transcript NM_003482.4 (MANE Select); coding-DNA position 13286, A replaced by G.
Protein change: p.Gln4429Arg; replaces glutamine 4429 with arginine.
Molecular consequence: missense variant.
Genome position (GRCh38, 1-based): chr12:49,031,419, T>C on the plus strand (A>G on the coding strand, the complement: KMT2D is on the minus strand). VCF-style: chr12-49031419-T-C. GRCh37 (hg19) VCF-style: chr12-49425202-T-C.
Other names: short protein forms Q4429R.
Identifiers: ClinVar variation 1957464 (VCV001957464.5), dbSNP rs1373509343, ClinGen allele CA384706570.
Genomic context (GRCh38, chr12:49,031,419, plus strand): 5'-AGGTGGTTGCTGGTTCCTGGTGCCCCTATTGGCTCCCCATTGGCCTCCCTCTTCACTGAC[T>C]GGGCTCCCAGGGCACATGGCTCTTCCCGAGGTTCCTGCTTGATGCTGAGTTGGGATGCCT-3'
Protein context (NP_003473.3, residues 4419-4439): PREEPCALGA[Gln4429Arg]SVKREANGEP